The following is an entry in ClinVar:

NM_000138.5(FBN1):c.2340A>G (p.Gln780=)

Gene: FBN1 (fibrillin 1; minus strand). Cytogenetic location: 15q21.1.
Variant type: single nucleotide variant.
Coding change: c.2340A>G on transcript NM_000138.5 (MANE Select); coding-DNA position 2340, A replaced by G.
Protein change: p.Gln780=; no amino-acid change (glutamine 780 retained).
Molecular consequence: synonymous variant.
Genome position (GRCh38, 1-based): chr15:48,496,179, T>C on the plus strand (A>G on the coding strand, the complement: FBN1 is on the minus strand). VCF-style: chr15-48496179-T-C. GRCh37 (hg19) VCF-style: chr15-48788376-T-C.
Other names: c.2340A>G, p.Gln780= (NM_001406716.1).
Identifiers: ClinVar variation 1789852 (VCV001789852.6), dbSNP rs2505573738, ClinGen allele CA490023081.

ClinVar aggregate classification (germline): Likely benign. Review status: criteria provided, multiple submitters, no conflicts (2 of 4 stars). 3 submissions from 3 submitters: Likely benign (3). Last evaluated 2024-08-23.

Conditions:
Marfan syndrome (MFS). Also called: Marfan's syndrome; Marfan syndrome, classic; MARFAN SYNDROME, TYPE I; Marfan syndrome type 1; FBN1-Related Marfan Syndrome. Identifiers: Orphanet 284963, Orphanet 558, MedGen C0024796, MONDO:0007947, OMIM 154700.
Familial thoracic aortic aneurysm and aortic dissection (TAAD). Also called: Thoracic aortic aneurysms and dissections. Identifiers: Orphanet 91387, MedGen C4707243, MONDO:0019625.

Allele frequency attached by ClinVar (database versions not stated): gnomAD exomes 0.00001.
gnomAD v4.1: 19 of 1,613,756 alleles (0.0012%); highest among the groups gnomAD compares: Non-Finnish European, 0.0016%; no homozygotes.

Submissions (3):

All of Us Research Program, National Institutes of Health
Classification: Likely benign for Marfan syndrome. Last evaluated: 2024-08-23. Review status: criteria provided, single submitter. Criteria: ACMG Guidelines, 2015. Collection method: clinical testing. Allele origin: germline. Inheritance: Autosomal dominant inheritance. Observed: 1 variant allele, 1 heterozygote.
Comment: This study involves interpretation of variants in research participants for the purpose of population health screening. Participant phenotype was not available at the time of variant classification. Additional details can be found in publication PMID: 35346344, PMCID: PMC8962531

Labcorp Genetics (formerly Invitae), Labcorp
Classification: Likely benign for Marfan syndrome; Familial thoracic aortic aneurysm and aortic dissection. Last evaluated: 2024-01-06. Review status: criteria provided, single submitter. Criteria: Invitae Variant Classification Sherloc (09022015). Collection method: clinical testing. Allele origin: germline.

Ambry Genetics
Classification: Likely benign for Familial thoracic aortic aneurysm and aortic dissection. Last evaluated: 2018-09-17. Review status: criteria provided, single submitter. Criteria: Ambry Variant Classification Scheme 2023. Collection method: clinical testing. Allele origin: germline.